The following is an entry in ClinVar:

ClinVar aggregate classification (germline): Conflicting classifications of pathogenicity. Review status: criteria provided, conflicting classifications (1 of 4 stars). 7 submissions from 7 submitters: Uncertain significance (3); Benign (1); Likely benign (3). Last evaluated 2026-01-25.

Conditions:
Vesicoureteral reflux 8 (VUR8). Identifiers: Orphanet 289365, MedGen C4014831, MONDO:0014422, OMIM 615963.
Ehlers-Danlos syndrome due to tenascin-X deficiency (EDSCLL1). Also called: EDS DUE TO TNX DEFICIENCY; TNX DEFICIENCY; TNXB-Related Classical-Like Ehlers-Danlos Syndrome; EHLERS-DANLOS SYNDROME, CLASSIC-LIKE; Ehlers-Danlos syndrome, classic-like, 1. Identifiers: Orphanet 230839, MedGen C1848029, MONDO:0011670, OMIM 606408.
Cardiovascular phenotype. Identifiers: MedGen CN230736.

Allele frequency attached by ClinVar (database versions not stated): ESP Exome Variant Server 0.00013; gnomAD 0.00024 and 0.00029; gnomAD exomes 0.00024 and 0.00032; TOPMed 0.00026; ExAC 0.00029; 1000 Genomes Project 0.00080; 1000 Genomes Project 30x 0.00109.
gnomAD v4.1: 398 of 1,613,168 alleles (0.025%); highest among the groups gnomAD compares: East Asian, 0.2%; 1 homozygote.

Submissions (7):

Labcorp Genetics (formerly Invitae), Labcorp
Classification: Benign. Last evaluated: 2026-01-25. Review status: criteria provided, single submitter. Criteria: Invitae Variant Classification Sherloc (09022015). Collection method: clinical testing. Allele origin: germline.

Mayo Clinic Laboratories, Mayo Clinic
Classification: Likely benign. Last evaluated: 2025-08-06. Review status: criteria provided, single submitter. Criteria: ACMG Guidelines, 2015. Collection method: clinical testing. Allele origin: germline. Observed: 1 variant allele.
Comment: BS1, BP4

Women's Health and Genetics/Laboratory Corporation of America, LabCorp
Classification: Likely benign. Last evaluated: 2025-07-30. Review status: criteria provided, single submitter. Criteria: LabCorp Variant Classification Summary - May 2015. Collection method: clinical testing. Allele origin: germline.
Comment: Variant summary: TNXB c.7946C>T (p.Thr2649Met) results in a non-conservative amino acid change in the encoded protein sequence. Algorithms developed to predict the effect of missense changes on protein structure and function are either unavailable or do not agree on the potential impact of this missense change. The variant allele was found at a frequency of 0.00032 in 247460 control chromosomes, predominantly at a frequency of 0.0022 within the East Asian subpopulation in the gnomAD database. The observed variant frequency within East Asian control individuals in the gnomAD database is approximately 1.97 fold of the estimated maximal expected allele frequency for a pathogenic variant in TNXB causing Ehlers-Danlos syndrome due to tenascin-X deficiency phenotype (0.0011). To our knowledge, no occurrence of c.7946C>T in individuals affected with Ehlers-Danlos syndrome due to tenascin-X deficiency and no experimental evidence demonstrating its impact on protein function have been reported. ClinVar contains an entry for this variant (Variation ID: 1253691). Based on the evidence outlined above, the variant was classified as likely benign.

Blueprint Genetics
Classification: Likely benign. Last evaluated: 2024-09-09. Review status: criteria provided, single submitter. Criteria: ACMG Guidelines, 2015. Collection method: clinical testing. Allele origin: germline.

GeneDx
Classification: Uncertain significance. Last evaluated: 2024-02-27. Review status: criteria provided, single submitter. Criteria: GeneDx Variant Classification Process June 2021. Collection method: clinical testing. Allele origin: germline. Affected: yes.
Comment: Has not been previously published as pathogenic or benign to our knowledge; In silico analysis supports that this missense variant has a deleterious effect on protein structure/function

Ambry Genetics
Classification: Uncertain significance for Cardiovascular phenotype. Last evaluated: 2024-01-05. Review status: criteria provided, single submitter. Criteria: Ambry Variant Classification Scheme 2023. Collection method: clinical testing. Allele origin: germline.
Comment: The p.T2649M variant (also known as c.7946C>T), located in coding exon 22 of the TNXB gene, results from a C to T substitution at nucleotide position 7946. The threonine at codon 2649 is replaced by methionine, an amino acid with similar properties. This amino acid position is well conserved in available vertebrate species. In addition, this alteration is predicted to be tolerated by in silico analysis. Since supporting evidence is limited at this time, the clinical significance of this alteration remains unclear.

Center for Genomics, Ann and Robert H. Lurie Children's Hospital of Chicago
Classification: Uncertain significance for Ehlers-Danlos syndrome due to tenascin-X deficiency; Vesicoureteral reflux 8. Review status: criteria provided, single submitter. Criteria: ACMG Guidelines, 2015. Collection method: clinical testing. Allele origin: germline.
Comment: TNXB NM_019105.6 exon 23 p.Thr2649Met (c.7946C>T): This variant has not been reported in the literature but is present in 0.02% (16/68024) of European alleles in the Genome Aggregation Database. Evolutionary conservation suggests that this variant may not impact the protein; computational predictive tools for this variant are unclear. In summary, data on this variant is insufficient for disease classification. Therefore, the clinical significance of this variant is uncertain.

NM_001365276.2(TNXB):c.7946C>T (p.Thr2649Met)

Gene: TNXB (tenascin XB; minus strand). Cytogenetic location: 6p21.33.
Variant type: single nucleotide variant.
Coding change: c.7946C>T on transcript NM_001365276.2 (MANE Select); coding-DNA position 7946, C replaced by T.
Protein change: p.Thr2649Met; replaces threonine 2649 with methionine.
Molecular consequence: missense variant.
Genome position (GRCh38, 1-based): chr6:32,056,783, G>A on the plus strand (C>T on the coding strand, the complement: TNXB is on the minus strand). VCF-style: chr6-32056783-G-A. GRCh37 (hg19) VCF-style: chr6-32024560-G-A.
Other names: p.Thr2649Met; c.7946C>T, p.Thr2649Met (NM_019105.8); short protein forms T2649M.
Identifiers: ClinVar variation 1253691 (VCV001253691.13), dbSNP rs367661800, ClinGen allele CA3734003.